The following is an entry in ClinVar:

NM_004336.5(BUB1):c.231G>T (p.Glu77Asp)

Gene: BUB1 (BUB1 mitotic checkpoint serine/threonine kinase; minus strand). Cytogenetic location: 2q13.
Variant type: single nucleotide variant.
Coding change: c.231G>T on transcript NM_004336.5 (MANE Select); coding-DNA position 231, G replaced by T.
Protein change: p.Glu77Asp; replaces glutamic acid 77 with aspartic acid.
Molecular consequence: missense variant.
Genome position (GRCh38, 1-based): chr2:110,672,852, C>A on the plus strand (G>T on the coding strand, the complement: BUB1 is on the minus strand). VCF-style: chr2-110672852-C-A. GRCh37 (hg19) VCF-style: chr2-111430429-C-A.
Other names: c.171G>T, p.Glu57Asp (NM_001278616.2); c.231G>T, p.Glu77Asp (NM_001278617.2); short protein forms E57D, E77D.
Identifiers: ClinVar variation 3224041 (VCV003224041.1), dbSNP rs983363796, ClinGen allele CA348220749.

ClinVar aggregate classification (germline): Uncertain significance (1 of 4 stars; one submission).

Submission:

Ambry Genetics
Classification: Uncertain significance. Last evaluated: 2021-12-08. Review status: criteria provided, single submitter. Criteria: Ambry Variant Classification Scheme 2023. Collection method: clinical testing. Allele origin: germline.
Comment: The p.E77D variant (also known as c.231G>T), located in coding exon 4 of the BUB1 gene, results from a G to T substitution at nucleotide position 231. The glutamic acid at codon 77 is replaced by aspartic acid, an amino acid with highly similar properties. This amino acid position is conserved. In addition, this alteration is predicted to be tolerated by in silico analysis. Since supporting evidence is limited at this time, the clinical significance of this alteration remains unclear.